The following is an entry in ClinVar:

ClinVar aggregate classification (germline): Conflicting classifications of pathogenicity. Review status: criteria provided, conflicting classifications (1 of 4 stars). 7 submissions from 7 submitters: Likely pathogenic (1); Uncertain significance (6). Last evaluated 2025-10-16.

Conditions:
Familial thoracic aortic aneurysm and aortic dissection (TAAD). Also called: Thoracic aortic aneurysms and dissections. Identifiers: Orphanet 91387, MedGen C4707243, MONDO:0019625.
Aortic aneurysm, familial thoracic 6 (AAT6). Also called: FAMILIAL THORACIC AORTIC ANEURYSM WITH LIVEDO RETICULARIS AND IRIS FLOCCULI. Identifiers: MedGen C2673186, MONDO:0012730, OMIM 611788.
ACTA2-related disorder. Also called: ACTA2-related condition; ACTA2-related disorders.
Moyamoya disease 5 (MYMY5). Identifiers: Orphanet 2573, MedGen C3279690, MONDO:0013542, OMIM 614042.
Multisystemic smooth muscle dysfunction syndrome (SMDYS). Also called: MYDRIASIS, CONGENITAL, WITH PATENT DUCTUS ARTERIOSUS, THORACIC AORTIC ANEURYSM, AND VASCULOPATHY; SMOOTH MUSCLE DYSFUNCTION SYNDROME. Identifiers: Orphanet 404463, MedGen C3151201, MONDO:0013452, OMIM 613834.

Allele frequency attached by ClinVar (database versions not stated): gnomAD 0.00001.
gnomAD v4.1: 2 of 1,612,438 alleles (0.00012%); highest among the groups gnomAD compares: East Asian, 0.0022%; no homozygotes.

Submissions (7):

Ambry Genetics
Classification: Uncertain significance for Familial thoracic aortic aneurysm and aortic dissection. Last evaluated: 2025-10-16. Review status: criteria provided, single submitter. Criteria: Ambry Variant Classification Scheme 2023. Collection method: clinical testing. Allele origin: germline.
Comment: The p.R185* variant (also known as c.553C>T), located in coding exon 5 of the ACTA2 gene, results from a C to T substitution at nucleotide position 553. This changes the amino acid from an arginine to a stop codon within coding exon 5. This alteration is expected to result in loss of function by premature protein truncation or nonsense-mediated mRNA decay. However, loss of function of ACTA2 has not been clearly established as a mechanism of disease. Since supporting evidence is limited at this time, the clinical significance of this alteration remains unclear.

Color Diagnostics, LLC DBA Color Health
Classification: Uncertain significance for Familial thoracic aortic aneurysm and aortic dissection. Last evaluated: 2025-06-10. Review status: criteria provided, single submitter. Criteria: ACMG Guidelines, 2015. Collection method: clinical testing. Allele origin: germline.
Comment: This variant changes 1 nucleotide in exon 6 of the ACTA2 gene, creating a premature translation stop signal. This variant is expected to result in an absent or non-functional protein product. To our knowledge, this variant has not been reported in individuals affected with ACTA2-related disorders in the literature. This variant has been identified in 1/31206 chromosomes in the general population by the Genome Aggregation Database (gnomAD). Clinical relevance of loss-of-function ACTA2 truncation variants in autosomal dominant cardiovascular disorders is not clearly established. The available evidence is insufficient to determine the role of this variant in disease conclusively. Therefore, this variant is classified as a Variant of Uncertain Significance.

Labcorp Genetics (formerly Invitae), Labcorp
Classification: Uncertain significance for Aortic aneurysm, familial thoracic 6. Last evaluated: 2025-06-07. Review status: criteria provided, single submitter. Criteria: Invitae Variant Classification Sherloc (09022015). Collection method: clinical testing. Allele origin: germline.
Comment: This sequence change creates a premature translational stop signal (p.Arg185*) in the ACTA2 gene. It is expected to result in an absent or disrupted protein product. However, the current clinical and genetic evidence is not sufficient to establish whether loss-of-function variants in ACTA2 cause disease. This variant is present in population databases (no rsID available, gnomAD 0.06%). This premature translational stop signal has been observed in individuals with ACTA2-related conditions (internal data). ClinVar contains an entry for this variant (Variation ID: 389807). In summary, the available evidence is currently insufficient to determine the role of this variant in disease. Therefore, it has been classified as a Variant of Uncertain Significance.

All of Us Research Program, National Institutes of Health
Classification: Uncertain significance for Familial thoracic aortic aneurysm and aortic dissection. Last evaluated: 2023-10-30. Review status: criteria provided, single submitter. Criteria: ACMG Guidelines, 2015. Collection method: clinical testing. Allele origin: germline. Inheritance: Autosomal dominant inheritance. Observed: 1 variant allele, 1 heterozygote.
Comment: This study involves interpretation of variants in research participants for the purpose of population health screening. Participant phenotype was not available at the time of variant classification. Additional details can be found in publication PMID: 35346344, PMCID: PMC8962531

Fulgent Genetics
Classification: Uncertain significance for Aortic aneurysm, familial thoracic 6; Multisystemic smooth muscle dysfunction syndrome; Moyamoya disease 5. Last evaluated: 2021-08-13. Review status: criteria provided, single submitter. Criteria: ACMG Guidelines, 2015. Collection method: clinical testing. Allele origin: unknown.

Blueprint Genetics
Classification: Likely pathogenic for ACTA2-related disorders. Last evaluated: 2021-04-26. Review status: criteria provided, single submitter. Criteria: ACMG Guidelines, 2015. Collection method: clinical testing. Allele origin: germline. Affected: yes. Observed: 5 variant alleles.

GeneDx
Classification: Uncertain significance. Last evaluated: 2020-09-03. Review status: criteria provided, single submitter. Criteria: GeneDx Variant Classification Process June 2021. Collection method: clinical testing. Allele origin: germline. Affected: yes.
Comment: Not observed at a significant frequency in large population cohorts (Lek et al., 2016); Nonsense variant predicted to result in protein truncation or nonsense mediated decay in a gene for which loss-of-function is not a known mechanism of disease; Has not been previously published as pathogenic or benign to our knowledge

NM_001613.4(ACTA2):c.553C>T (p.Arg185Ter)

Gene: ACTA2 (actin alpha 2, smooth muscle; minus strand). Cytogenetic location: 10q23.31.
Variant type: single nucleotide variant.
Coding change: c.553C>T on transcript NM_001613.4 (MANE Select); coding-DNA position 553, C replaced by T.
Protein change: p.Arg185Ter; replaces arginine 185 with a stop codon.
Molecular consequence: nonsense.
Genome position (GRCh38, 1-based): chr10:88,941,292, G>A on the plus strand (C>T on the coding strand, the complement: ACTA2 is on the minus strand). VCF-style: chr10-88941292-G-A. GRCh37 (hg19) VCF-style: chr10-90701049-G-A.
Other names: c.553C>T, p.Arg185Ter (NM_001141945.3, NM_001320855.2, NM_001406462.1 and 3 more transcripts); c.442C>T, p.Arg148Ter (NM_001406466.1); c.424C>T, p.Arg142Ter (NM_001406467.1, NM_001406468.1, NM_001406469.1); short protein forms R185*, R142*, R148*.
Identifiers: ClinVar variation 389807 (VCV000389807.18), dbSNP rs772473154, ClinGen allele CA16605998.